The following is an entry in ClinVar:

ClinVar aggregate classification (germline): Likely benign. Review status: criteria provided, multiple submitters, no conflicts (2 of 4 stars). 2 submissions from 2 submitters: Likely benign (2). Last evaluated 2024-10-02.

Allele frequency attached by ClinVar (database versions not stated): TOPMed 0.00002; ExAC 0.00003; gnomAD 0.00005.
gnomAD v4.1: 54 of 1,611,260 alleles (0.0034%); highest among the groups gnomAD compares: Admixed American, 0.005%; no homozygotes.

Submissions (2):

Blueprint Genetics
Classification: Likely benign. Last evaluated: 2024-10-02. Review status: criteria provided, single submitter. Criteria: ACMG Guidelines, 2015. Collection method: clinical testing. Allele origin: germline.

CeGaT Center for Human Genetics Tuebingen
Classification: Likely benign. Last evaluated: 2023-11-01. Review status: criteria provided, single submitter. Criteria: CeGaT Center For Human Genetics Tuebingen Variant Classification Criteria Version 2. Collection method: clinical testing. Allele origin: germline. Affected: yes. Observed: 1 variant allele.
Comment: NIPBL: BP4

NM_133433.4(NIPBL):c.8049+30G>A

Gene: NIPBL (NIPBL cohesin loading factor; plus strand). Cytogenetic location: 5p13.2.
Variant type: single nucleotide variant.
Coding change: c.8049+30G>A on transcript NM_133433.4 (MANE Select); 30 bases into the intron after coding-DNA position 8049, G replaced by A.
Molecular consequence: intron variant. On other transcripts: synonymous variant (1).
Genome position (GRCh38, 1-based): chr5:37,064,008, G>A. VCF-style: chr5-37064008-G-A. GRCh37 (hg19) VCF-style: chr5-37064110-G-A.
Other names: c.8079G>A, p.Ser2693= (NM_015384.5).
Identifiers: ClinVar variation 2673011 (VCV002673011.24), dbSNP rs777396886, ClinGen allele CA3237315.